The following is an entry in ClinVar:

NM_024649.5(BBS1):c.1319G>A (p.Arg440Gln)

Genes: BBS1 (Bardet-Biedl syndrome 1; plus strand), ZDHHC24 (zDHHC palmitoyltransferase 24; minus strand). Cytogenetic location: 11q13.2.
Variant type: single nucleotide variant.
Coding change: c.1319G>A on transcript NM_024649.5 (MANE Select); coding-DNA position 1319, G replaced by A.
Protein change: p.Arg440Gln; replaces arginine 440 with glutamine.
Molecular consequence: missense variant. On other transcripts: intron variant (1).
Genome position (GRCh38, 1-based): chr11:66,526,787, G>A. VCF-style: chr11-66526787-G-A. GRCh37 (hg19) VCF-style: chr11-66294258-G-A.
Other names: c.*21+149C>T (NM_001348571.2); short protein forms R440Q.
Identifiers: ClinVar variation 4986882 (VCV004986882.1).

ClinVar aggregate classification (germline): Uncertain significance (1 of 4 stars; one submission).

Conditions:
BBS1-related disorder. Also called: BBS1-related condition.

gnomAD v4.1: 17 of 1,614,106 alleles (0.0011%); highest among the groups gnomAD compares: Admixed American, 0.0017%; no homozygotes.

Submission:

PreventionGenetics, part of Exact Sciences
Classification: Uncertain significance for BBS1-related condition. Last evaluated: 2026-09-09. Review status: criteria provided, single submitter. Criteria: ACMG Guidelines, 2015. Collection method: clinical testing. Allele origin: germline.
Comment: The BBS1 c.1319G>A variant is predicted to result in the amino acid substitution p.Arg440Gln. To our knowledge, this variant has not been reported in the literature. This variant is reported in 0.0028% of alleles in individuals of Latino descent in gnomAD. At this time, the clinical significance of this variant is uncertain due to the absence of conclusive functional and genetic evidence.